The following is an entry in ClinVar:

ClinVar aggregate classification (germline): Uncertain significance. Review status: criteria provided, multiple submitters, no conflicts (2 of 4 stars). 2 submissions from 2 submitters: Uncertain significance (2). Last evaluated 2025-12-02.

Conditions:
Inborn genetic diseases. Identifiers: MedGen C0950123, MeSH D030342.
Imerslund-Grasbeck syndrome. Also called: Imerslund-Gräsbeck syndrome; ENTEROCYTE COBALAMIN MALABSORPTION; ENTEROCYTE INTRINSIC FACTOR RECEPTOR, DEFECT OF; PERNICIOUS ANEMIA, JUVENILE, DUE TO SELECTIVE INTESTINAL MALABSORPTION OF VITAMIN B12, WITH PROTEINURIA; Megaloblastic anemia due to inborn errors of metabolism. Identifiers: Orphanet 35858, MedGen C4551825, MONDO:0009853.

Allele frequency attached by ClinVar (database versions not stated): ExAC 0.00007; TOPMed 0.00004; gnomAD 0.00002; ESP Exome Variant Server 0.00008.
gnomAD v4.1: 33 of 1,613,436 alleles (0.002%); highest among the groups gnomAD compares: Admixed American, 0.02%; no homozygotes.

Submissions (2):

Ambry Genetics
Classification: Uncertain significance for Inborn genetic diseases. Last evaluated: 2025-12-02. Review status: criteria provided, single submitter. Criteria: Ambry Variant Classification Scheme 2023. Collection method: clinical testing. Allele origin: germline.

Labcorp Genetics (formerly Invitae), Labcorp
Classification: Uncertain significance for Imerslund-Grasbeck syndrome. Last evaluated: 2022-03-21. Review status: criteria provided, single submitter. Criteria: Invitae Variant Classification Sherloc (09022015). Collection method: clinical testing. Allele origin: germline.
Comment: This sequence change replaces aspartic acid, which is acidic and polar, with asparagine, which is neutral and polar, at codon 1029 of the CUBN protein (p.Asp1029Asn). This variant is present in population databases (rs376195863, gnomAD 0.03%). This variant has not been reported in the literature in individuals affected with CUBN-related conditions. Algorithms developed to predict the effect of missense changes on protein structure and function (SIFT, PolyPhen-2, Align-GVGD) all suggest that this variant is likely to be tolerated. In summary, the available evidence is currently insufficient to determine the role of this variant in disease. Therefore, it has been classified as a Variant of Uncertain Significance.

NM_001081.4(CUBN):c.3085G>A (p.Asp1029Asn)

Gene: CUBN (cubilin; minus strand). Cytogenetic location: 10p13.
Variant type: single nucleotide variant.
Coding change: c.3085G>A on transcript NM_001081.4 (MANE Select); coding-DNA position 3085, G replaced by A.
Protein change: p.Asp1029Asn; replaces aspartic acid 1029 with asparagine.
Molecular consequence: missense variant.
Genome position (GRCh38, 1-based): chr10:17,065,562, C>T on the plus strand (G>A on the coding strand, the complement: CUBN is on the minus strand). VCF-style: chr10-17065562-C-T. GRCh37 (hg19) VCF-style: chr10-17107561-C-T.
Other names: short protein forms D1029N.
Identifiers: ClinVar variation 2187091 (VCV002187091.3), dbSNP rs376195863, ClinGen allele CA5424767.